The following is an entry in ClinVar:

ClinVar aggregate classification (germline): Uncertain significance (1 of 4 stars; one submission).

gnomAD v4.1: 6 of 1,614,196 alleles (0.00037%); highest among the groups gnomAD compares: South Asian, 0.0033%; no homozygotes.

Submission:

Ambry Genetics
Classification: Uncertain significance. Last evaluated: 2025-08-02. Review status: criteria provided, single submitter. Criteria: Ambry Variant Classification Scheme 2023. Collection method: clinical testing. Allele origin: germline.
Comment: The p.P601S variant (also known as c.1801C>T), located in coding exon 9 of the ATRIP gene, results from a C to T substitution at nucleotide position 1801. The proline at codon 601 is replaced by serine, an amino acid with similar properties. This amino acid position is conserved. In addition, this alteration is predicted to be tolerated by in silico analysis. Based on the available evidence, the clinical significance of this variant remains unclear.

NM_130384.3(ATRIP):c.1801C>T (p.Pro601Ser)

Genes: ATRIP (ATR interacting protein; plus strand), ATRIP-TREX1 (ATRIP-TREX1 readthrough; plus strand). Cytogenetic location: 3p21.31.
Variant type: single nucleotide variant.
Coding change: c.1801C>T on transcript NM_130384.3 (MANE Select); coding-DNA position 1801, C replaced by T.
Protein change: p.Pro601Ser; replaces proline 601 with serine.
Molecular consequence: missense variant. On other transcripts: non-coding transcript variant (1).
Genome position (GRCh38, 1-based): chr3:48,463,800, C>T. VCF-style: chr3-48463800-C-T. GRCh37 (hg19) VCF-style: chr3-48505199-C-T.
Other names: c.1420C>T, p.Pro474Ser (NM_001271022.2); c.1522C>T, p.Pro508Ser (NM_001271023.2); c.1801C>T, p.Pro601Ser (NM_032166.4); short protein forms P474S, P508S, P601S.
Identifiers: ClinVar variation 4182327 (VCV004182327.1).
Genomic context (GRCh38, chr3:48,463,800, plus strand): 5'-TTTAGGTTCCAGTGTGTGTTCCAAGTGCTGCCAAAGTGCCTCAGCCCAGAGACACCCCTG[C>T]CTAGCGTGCTGCTGGCTGTTGAGCTCCTCTCCCTGCTGGCGGACCACGACCAGCTGGCAC-3'
Protein context (NP_569055.1, residues 591-611): PKCLSPETPL[Pro601Ser]SVLLAVELLS